The following is an entry in ClinVar:

NM_001999.4(FBN2):c.671T>C (p.Met224Thr)

Gene: FBN2 (fibrillin 2; minus strand). Cytogenetic location: 5q23.3.
Variant type: single nucleotide variant.
Coding change: c.671T>C on transcript NM_001999.4 (MANE Select); coding-DNA position 671, T replaced by C.
Protein change: p.Met224Thr; replaces methionine 224 with threonine.
Molecular consequence: missense variant.
Genome position (GRCh38, 1-based): chr5:128,464,879, A>G on the plus strand (T>C on the coding strand, the complement: FBN2 is on the minus strand). VCF-style: chr5-128464879-A-G. GRCh37 (hg19) VCF-style: chr5-127800572-A-G.
Other names: short protein forms M224T.
Identifiers: ClinVar variation 263417 (VCV000263417.20), dbSNP rs886038798, ClinGen allele CA10587618.
Genomic context (GRCh38, chr5:128,464,879, plus strand): 5'-CCAATGGTGGCACAGCACAGAGTCTTCGTGCAGACAATGCCTGTCAGCTGCCCTTGGCAC[A>G]TCTGGTTGTTGACCTGAGTGAAACACGGGCCTGTCCTGTAATCTGGAATGTGGGAGAAGA-3'
Protein context (NP_001990.2, residues 214-234): GPCFTQVNNQ[Met224Thr]CQGQLTGIVC

ClinVar aggregate classification (germline): Uncertain significance. Review status: criteria provided, multiple submitters, no conflicts (2 of 4 stars). 5 submissions from 5 submitters: Uncertain significance (5). Last evaluated 2026-09-08.

Conditions:
FBN2-related disorder. Also called: FBN2-related condition.
Familial thoracic aortic aneurysm and aortic dissection (TAAD). Also called: Thoracic aortic aneurysms and dissections. Identifiers: Orphanet 91387, MedGen C4707243, MONDO:0019625.
Congenital contractural arachnodactyly (CCA). Also called: Arthrogryposis, distal, type 9; BEALS SYNDROME; Beals-Hecht syndrome. Identifiers: Orphanet 115, MedGen C0220668, MONDO:0007363, OMIM 121050.

Allele frequency attached by ClinVar (database versions not stated): gnomAD 0.00001; gnomAD exomes 0.00001; TOPMed 0.00002.
gnomAD v4.1: 16 of 1,614,160 alleles (0.00099%); highest among the groups gnomAD compares: Admixed American, 0.0033%; no homozygotes.

Submissions (5):

PreventionGenetics, part of Exact Sciences
Classification: Uncertain significance for FBN2-related condition. Last evaluated: 2026-09-08. Review status: criteria provided, single submitter. Criteria: ACMG Guidelines, 2015. Collection method: clinical testing. Allele origin: germline.
Comment: The FBN2 c.671T>C variant is predicted to result in the amino acid substitution p.Met224Thr. To our knowledge, this variant has not been reported in the literature. This variant is reported in 0.0029% of alleles in individuals of Latino descent in gnomAD. At this time, the clinical significance of this variant is uncertain due to the absence of conclusive functional and genetic evidence.

Ambry Genetics
Classification: Uncertain significance for Familial thoracic aortic aneurysm and aortic dissection. Last evaluated: 2025-04-09. Review status: criteria provided, single submitter. Criteria: Ambry Variant Classification Scheme 2023. Collection method: clinical testing. Allele origin: germline.
Comment: The p.M224T variant (also known as c.671T>C), located in coding exon 6 of the FBN2 gene, results from a T to C substitution at nucleotide position 671. The methionine at codon 224 is replaced by threonine, an amino acid with similar properties. This amino acid position is highly conserved in available vertebrate species. In addition, this alteration is predicted to be deleterious by in silico analysis. Based on the available evidence, the clinical significance of this variant remains unclear.

Labcorp Genetics (formerly Invitae), Labcorp
Classification: Uncertain significance for Congenital contractural arachnodactyly. Last evaluated: 2024-07-03. Review status: criteria provided, single submitter. Criteria: Invitae Variant Classification Sherloc (09022015). Collection method: clinical testing. Allele origin: germline.
Comment: This sequence change replaces methionine, which is neutral and non-polar, with threonine, which is neutral and polar, at codon 224 of the FBN2 protein (p.Met224Thr). This variant is present in population databases (no rsID available, gnomAD 0.003%). This variant has not been reported in the literature in individuals affected with FBN2-related conditions. ClinVar contains an entry for this variant (Variation ID: 263417). Advanced modeling of protein sequence and biophysical properties (such as structural, functional, and spatial information, amino acid conservation, physicochemical variation, residue mobility, and thermodynamic stability) has been performed at Invitae for this missense variant, however the output from this modeling did not meet the statistical confidence thresholds required to predict the impact of this variant on FBN2 protein function. In summary, the available evidence is currently insufficient to determine the role of this variant in disease. Therefore, it has been classified as a Variant of Uncertain Significance.

GeneDx
Classification: Uncertain significance. Last evaluated: 2023-12-20. Review status: criteria provided, single submitter. Criteria: GeneDx Variant Classification Process June 2021. Collection method: clinical testing. Allele origin: germline. Affected: yes.
Comment: Has not been previously published as pathogenic or benign to our knowledge; Not observed at significant frequency in large population cohorts (gnomAD); In silico analysis supports that this missense variant has a deleterious effect on protein structure/function

Illumina Laboratory Services, Illumina
Classification: Uncertain significance for Congenital contractural arachnodactyly. Last evaluated: 2018-01-12. Review status: criteria provided, single submitter. Criteria: ICSL Variant Classification Criteria 13 December 2019. Collection method: clinical testing. Allele origin: germline.